The following is an entry in ClinVar:

NM_003126.4(SPTA1):c.4420C>T (p.Arg1474Trp)

Gene: SPTA1 (spectrin alpha, erythrocytic 1; minus strand). Cytogenetic location: 1q23.1.
Variant type: single nucleotide variant.
Coding change: c.4420C>T on transcript NM_003126.4 (MANE Select); coding-DNA position 4420, C replaced by T.
Protein change: p.Arg1474Trp; replaces arginine 1474 with tryptophan.
Molecular consequence: missense variant.
Genome position (GRCh38, 1-based): chr1:158,643,344, G>A on the plus strand (C>T on the coding strand, the complement: SPTA1 is on the minus strand). VCF-style: chr1-158643344-G-A. GRCh37 (hg19) VCF-style: chr1-158613134-G-A.
Other names: short protein forms R1474W.
Identifiers: ClinVar variation 3342311 (VCV003342311.2).

ClinVar aggregate classification (germline): Uncertain significance. Review status: criteria provided, multiple submitters, no conflicts (2 of 4 stars). 2 submissions from 2 submitters: Uncertain significance (2). Last evaluated 2024-03-20.

Submissions (2):

GeneDx
Classification: Uncertain significance. Last evaluated: 2024-03-20. Review status: criteria provided, single submitter. Criteria: GeneDx Variant Classification Process June 2021. Collection method: clinical testing. Allele origin: germline. Affected: yes.
Comment: Reported de novo in a proband with a heart defect, but no information about features of a SPTA1-related disorder was provided (PMID: 32368696); In silico analysis supports that this missense variant has a deleterious effect on protein structure/function; This variant is associated with the following publications: (PMID: 32368696)

Blueprint Genetics
Classification: Uncertain significance. Last evaluated: 2023-09-16. Review status: criteria provided, single submitter. Criteria: ACMG Guidelines, 2015. Collection method: clinical testing. Allele origin: germline.